The following is an entry in ClinVar:

ClinVar aggregate classification (germline): Benign/Likely benign. Review status: criteria provided, multiple submitters, no conflicts (2 of 4 stars). 3 submissions from 3 submitters: Benign (1); Likely benign (2). Last evaluated 2026-09-23.

Conditions:
Cardiovascular phenotype. Identifiers: MedGen CN230736.
Hereditary cancer-predisposing syndrome. Also called: Hereditary neoplastic syndrome; Neoplastic Syndromes, Hereditary; Tumor predisposition; Hereditary Cancer Syndrome. Identifiers: Orphanet 140162, MedGen C0027672, MeSH D009386, MONDO:0015356.
Neurofibromatosis, type 1 (NF1). Also called: Neurofibromatosis, type I; Peripheral type neurofibromatosis; VON RECKLINGHAUSEN DISEASE; NEUROFIBROMATOSIS, TYPE I, SOMATIC. Identifiers: Orphanet 636, MedGen C0027831, MONDO:0018975, OMIM 162200. Disease mechanism: loss of function.

Allele frequency attached by ClinVar (database versions not stated): gnomAD exomes 0.00001; gnomAD 0.00001; TOPMed below 0.00001.
gnomAD v4.1: 19 of 1,613,586 alleles (0.0012%); highest among the groups gnomAD compares: East Asian, 0.0022%; no homozygotes.

Submissions (3):

Myriad Genetics, Inc.
Classification: Benign for Neurofibromatosis, type 1. Last evaluated: 2026-09-23. Review status: criteria provided, single submitter. Criteria: Myriad Autosomal Dominant, Autosomal Recessive and X-Linked Classification Criteria (2023). Collection method: clinical testing. Allele origin: unknown.
Comment: This variant is considered benign. This variant is a silent/synonymous amino acid change and it is not expected to impact splicing.

Labcorp Genetics (formerly Invitae), Labcorp
Classification: Likely benign for Neurofibromatosis, type 1. Last evaluated: 2025-03-14. Review status: criteria provided, single submitter. Criteria: Invitae Variant Classification Sherloc (09022015). Collection method: clinical testing. Allele origin: germline.

Ambry Genetics
Classification: Likely benign for Cardiovascular phenotype; Hereditary cancer-predisposing syndrome. Last evaluated: 2020-08-07. Review status: criteria provided, single submitter. Criteria: Ambry Variant Classification Scheme 2023. Collection method: clinical testing. Allele origin: germline.

NM_001042492.3(NF1):c.6438G>A (p.Lys2146=)

Gene: NF1 (neurofibromin 1; plus strand). Cytogenetic location: 17q11.2.
Variant type: single nucleotide variant.
Coding change: c.6438G>A on transcript NM_001042492.3 (MANE Select); coding-DNA position 6438, G replaced by A.
Protein change: p.Lys2146=; no amino-acid change (lysine 2146 retained).
Molecular consequence: synonymous variant.
Genome position (GRCh38, 1-based): chr17:31,337,378, G>A. VCF-style: chr17-31337378-G-A. GRCh37 (hg19) VCF-style: chr17-29664396-G-A.
Other names: c.6375G>A, p.Lys2125= (NM_000267.4).
Identifiers: ClinVar variation 703978 (VCV000703978.14), dbSNP rs1172220920, ClinGen allele CA499234013.